The following is an entry in ClinVar:

ClinVar aggregate classification (germline): Uncertain significance (1 of 4 stars; one submission).

Allele frequency attached by ClinVar (database versions not stated): gnomAD exomes below 0.00001.
gnomAD v4.1: 1 of 1,613,850 alleles (0.000062%); highest among the groups gnomAD compares: Non-Finnish European, 0.000085%; no homozygotes.

Submission:

Labcorp Genetics (formerly Invitae), Labcorp
Classification: Uncertain significance. Last evaluated: 2022-09-07. Review status: criteria provided, single submitter. Criteria: Invitae Variant Classification Sherloc (09022015). Collection method: clinical testing. Allele origin: germline.
Comment: Algorithms developed to predict the effect of missense changes on protein structure and function are either unavailable or do not agree on the potential impact of this missense change (SIFT: "Tolerated"; PolyPhen-2: "Not Available"; Align-GVGD: "Class C0"). This variant has not been reported in the literature in individuals affected with CYFIP2-related conditions. This variant is not present in population databases (gnomAD no frequency). This sequence change replaces proline, which is neutral and non-polar, with serine, which is neutral and polar, at codon 1060 of the CYFIP2 protein (p.Pro1060Ser). In summary, the available evidence is currently insufficient to determine the role of this variant in disease. Therefore, it has been classified as a Variant of Uncertain Significance.

NM_001037333.3(CYFIP2):c.3178C>T (p.Pro1060Ser)

Genes: CYFIP2 (cytoplasmic FMR1 interacting protein 2; plus strand), NIPAL4-DT (NIPAL4 divergent transcript; minus strand). Cytogenetic location: 5q33.3.
Variant type: single nucleotide variant.
Coding change: c.3178C>T on transcript NM_001037333.3 (MANE Select); coding-DNA position 3178, C replaced by T.
Protein change: p.Pro1060Ser; replaces proline 1060 with serine.
Molecular consequence: missense variant.
Genome position (GRCh38, 1-based): chr5:157,383,330, C>T. VCF-style: chr5-157383330-C-T. GRCh37 (hg19) VCF-style: chr5-156810338-C-T.
Other names: c.3100C>T, p.Pro1034Ser (NM_001291721.2); c.3253C>T, p.Pro1085Ser (NM_001291722.2); c.3178C>T, p.Pro1060Ser (NM_014376.4); short protein forms P1085S, P1060S, P1034S.
Identifiers: ClinVar variation 2109536 (VCV002109536.4), dbSNP rs2532696823, ClinGen allele CA361981342.